The following is an entry in ClinVar:

NM_005159.5(ACTC1):c.524A>G (p.His175Arg)

Genes: ACTC1 (actin alpha cardiac muscle 1; minus strand), GJD2-DT (GJD2 divergent transcript; plus strand). Cytogenetic location: 15q14.
Variant type: single nucleotide variant.
Coding change: c.524A>G on transcript NM_005159.5 (MANE Select); coding-DNA position 524, A replaced by G.
Protein change: p.His175Arg; replaces histidine 175 with arginine.
Molecular consequence: missense variant.
Genome position (GRCh38, 1-based): chr15:34,792,500, T>C on the plus strand (A>G on the coding strand, the complement: ACTC1 is on the minus strand). VCF-style: chr15-34792500-T-C. GRCh37 (hg19) VCF-style: chr15-35084701-T-C.
Other names: c.524A>G, p.His175Arg (NM_001406482.1, NM_001406483.1); c.389A>G, p.His130Arg (NM_001406484.1); c.83A>G, p.His28Arg (NM_001406485.1); short protein forms H130R, H175R, H28R.
Identifiers: ClinVar variation 3825756 (VCV003825756.2).

ClinVar aggregate classification (germline): Uncertain significance. Review status: criteria provided, multiple submitters, no conflicts (2 of 4 stars). 2 submissions from 2 submitters: Uncertain significance (2). Last evaluated 2025-01-23.

Conditions:
Cardiovascular phenotype. Identifiers: MedGen CN230736.

Submissions (2):

Ambry Genetics
Classification: Uncertain significance for Cardiovascular phenotype. Last evaluated: 2025-01-23. Review status: criteria provided, single submitter. Criteria: Ambry Variant Classification Scheme 2023. Collection method: clinical testing. Allele origin: germline.
Comment: The p.H175R variant (also known as c.524A>G), located in coding exon 3 of the ACTC1 gene, results from an A to G substitution at nucleotide position 524. The histidine at codon 175 is replaced by arginine, an amino acid with highly similar properties. This variant was reported in individual(s) with features consistent with dilated cardiomyopathy (Vasilescu C et al. J Am Coll Cardiol, 2018 Nov;72:2324-2338). This amino acid position is highly conserved in available vertebrate species. In addition, this alteration is predicted to be deleterious by in silico analysis. Based on the available evidence, the clinical significance of this variant remains unclear.

Blueprint Genetics
Classification: Uncertain significance. Last evaluated: 2020-08-20. Review status: criteria provided, single submitter. Criteria: ACMG Guidelines, 2015. Collection method: clinical testing. Allele origin: germline.

Literature cited by the submitters: PubMed 30384889 (cited by Ambry Genetics).